The following is an entry in ClinVar:

NM_052867.4(NALCN):c.1280T>C (p.Val427Ala)

Gene: NALCN (sodium leak channel, non-selective; minus strand). Cytogenetic location: 13q33.1.
Variant type: single nucleotide variant.
Coding change: c.1280T>C on transcript NM_052867.4 (MANE Select); coding-DNA position 1280, T replaced by C.
Protein change: p.Val427Ala; replaces valine 427 with alanine.
Molecular consequence: missense variant.
Genome position (GRCh38, 1-based): chr13:101,237,909, A>G on the plus strand (T>C on the coding strand, the complement: NALCN is on the minus strand). VCF-style: chr13-101237909-A-G. GRCh37 (hg19) VCF-style: chr13-101890260-A-G.
Other names: c.1280T>C, p.Val427Ala (NM_001350748.2, NM_001350749.2); c.1193T>C, p.Val398Ala (NM_001350750.2, NM_001350751.2); short protein forms V398A, V427A.
Identifiers: ClinVar variation 1311398 (VCV001311398.9), dbSNP rs371662809, ClinGen allele CA7036236.

ClinVar aggregate classification (germline): Conflicting classifications of pathogenicity. Review status: criteria provided, conflicting classifications (1 of 4 stars). 3 submissions from 3 submitters: Uncertain significance (1); Likely benign (1). 1 of the submissions does not count toward it. Last evaluated 2025-08-14.

Conditions:
NALCN-related disorder. Also called: NALCN-related disorders; NALCN-related condition.

Allele frequency attached by ClinVar (database versions not stated): TOPMed 0.00007; gnomAD 0.00011 and 0.00013; gnomAD exomes 0.00011 and 0.00025; ESP Exome Variant Server 0.00015; ExAC 0.00042.
gnomAD v4.1: 185 of 1,605,100 alleles (0.012%); highest among the groups gnomAD compares: Middle Eastern, 0.033%; no homozygotes.

Submissions (3):

Labcorp Genetics (formerly Invitae), Labcorp
Classification: Likely benign. Last evaluated: 2025-08-14. Review status: criteria provided, single submitter. Criteria: Invitae Variant Classification Sherloc (09022015). Collection method: clinical testing. Allele origin: germline.

GeneDx
Classification: Uncertain significance. Last evaluated: 2022-07-07. Review status: criteria provided, single submitter. Criteria: GeneDx Variant Classification Process June 2021. Collection method: clinical testing. Allele origin: germline. Affected: yes.
Comment: In silico analysis supports that this missense variant has a deleterious effect on protein structure/function; Has not been previously published as pathogenic or benign to our knowledge

PreventionGenetics, part of Exact Sciences
Classification: Likely benign for NALCN-related condition. Last evaluated: 2021-12-28. Review status: no assertion criteria provided. Collection method: clinical testing. Allele origin: germline. Not counted in ClinVar's aggregate classification.
Comment: This variant is classified as likely benign based on ACMG/AMP sequence variant interpretation guidelines (Richards et al. 2015 PMID: 25741868, with internal and published modifications).